The following is an entry in ClinVar:

NM_176787.5(PIGN):c.484A>G (p.Lys162Glu)

Gene: PIGN (phosphatidylinositol glycan anchor biosynthesis class N; minus strand). Cytogenetic location: 18q21.33.
Variant type: single nucleotide variant.
Coding change: c.484A>G on transcript NM_176787.5 (MANE Select); coding-DNA position 484, A replaced by G.
Protein change: p.Lys162Glu; replaces lysine 162 with glutamic acid.
Molecular consequence: missense variant.
Genome position (GRCh38, 1-based): chr18:62,154,610, T>C on the plus strand (A>G on the coding strand, the complement: PIGN is on the minus strand). VCF-style: chr18-62154610-T-C. GRCh37 (hg19) VCF-style: chr18-59821843-T-C.
Other names: c.484A>G, p.Lys162Glu (NM_012327.6); short protein forms K162E.
Identifiers: ClinVar variation 403309 (VCV000403309.22), dbSNP rs17069506, ClinGen allele CA8982573.
Genomic context (GRCh38, chr18:62,154,610, plus strand): 5'-CATTATCAAAAACCCACGTATCCAGTTTTGTTGCATCTTGAGCACCAAAATCCTCTCTTT[T>C]AGCATCATAACTATATGTATAAACGTGGTCTCCACTAGCACCTGAAAAGAAAATTTGGAA-3'
Protein context (NP_789744.1, residues 152-172): DHVYTYSYDA[Lys162Glu]REDFGAQDAT

ClinVar aggregate classification (germline): Benign. Review status: criteria provided, multiple submitters, no conflicts (2 of 4 stars). 7 submissions from 7 submitters: Benign (7). Last evaluated 2026-02-03.

Conditions:
Inborn genetic diseases. Identifiers: MedGen C0950123, MeSH D030342.
Multiple congenital anomalies-hypotonia-seizures syndrome 1 (MCAHS1). Also called: PIGN-CDG; Congenital disorder of glycosylation due to PIGN deficiency; GLYCOSYLPHOSPHATIDYLINOSITOL BIOSYNTHESIS DEFECT 3. Identifiers: Orphanet 280633, MedGen C3279775, MONDO:0013563, OMIM 614080.

Allele frequency attached by ClinVar (database versions not stated): gnomAD exomes 0.04254 and 0.05179; gnomAD 0.04997 and 0.05186; ESP Exome Variant Server 0.05105; TOPMed 0.05262; ExAC 0.05389; 1000 Genomes Project 0.06530; 1000 Genomes Project 30x 0.06761.
gnomAD v4.1: 69,505 of 1,587,798 alleles (4.4%); highest among the groups gnomAD compares: Middle Eastern, 14%; 2,017 homozygotes.

Submissions (7):

Labcorp Genetics (formerly Invitae), Labcorp
Classification: Benign for Multiple congenital anomalies-hypotonia-seizures syndrome 1. Last evaluated: 2026-02-03. Review status: criteria provided, single submitter. Criteria: Invitae Variant Classification Sherloc (09022015). Collection method: clinical testing. Allele origin: germline.

Blueprint Genetics
Classification: Benign. Last evaluated: 2024-11-28. Review status: criteria provided, single submitter. Criteria: ACMG Guidelines, 2015. Collection method: clinical testing. Allele origin: germline.

Mayo Clinic Laboratories, Mayo Clinic
Classification: Benign. Last evaluated: 2021-11-04. Review status: criteria provided, single submitter. Criteria: ACMG Guidelines, 2015. Collection method: clinical testing. Allele origin: germline. Observed: 32 variant alleles.

GeneDx
Classification: Benign. Last evaluated: 2018-07-05. Review status: criteria provided, single submitter. Criteria: GeneDx Variant Classification Process June 2021. Collection method: clinical testing. Allele origin: germline. Affected: yes.

Ambry Genetics
Classification: Benign for Inborn genetic diseases. Last evaluated: 2016-04-07. Review status: criteria provided, single submitter. Criteria: Ambry Variant Classification Scheme 2023. Collection method: clinical testing. Allele origin: germline.

Laboratory for Molecular Medicine, Mass General Brigham Personalized Medicine
Classification: Benign. Last evaluated: 2016-03-29. Review status: criteria provided, single submitter. Criteria: LMM Criteria. Collection method: clinical testing. Allele origin: germline.
Comment: Variant identified in a genome or exome case(s) and assessed due to predicted null impact of the variant or pathogenic assertions in the literature or databases. Disclaimer: This variant has not undergone full assessment. The following are preliminary notes: MAF

Breakthrough Genomics
Classification: Benign. Review status: criteria provided, single submitter. Criteria: ACMG Guidelines, 2015. Collection method: not provided. Allele origin: germline. Inheritance: Autosomal recessive inheritance. Affected: yes.